The following is an entry in ClinVar:

ClinVar aggregate classification (germline): Uncertain significance (1 of 4 stars; one submission).

Submission:

Dasa
Classification: Uncertain significance. Last evaluated: 2026-08-08. Review status: criteria provided, single submitter. Criteria: DASA Assertion Criteria. Collection method: clinical testing. Allele origin: germline.
Comment: NM_004656.4(BAP1):c.1627T>C (p.Cys543Arg) is a missense variant that results in the substitution of cysteine with arginine. This variant is rare in population databases. The currently available literature and clinical evidence are not sufficient to establish a definitive association between this variant and the reported condition. Therefore, this variant is classified as a variant of uncertain significance.

NM_004656.4(BAP1):c.1627T>C (p.Cys543Arg)

Gene: BAP1 (BRCA1 associated deubiquitinase 1; minus strand). Cytogenetic location: 3p21.1.
Variant type: single nucleotide variant.
Coding change: c.1627T>C on transcript NM_004656.4 (MANE Select); coding-DNA position 1627, T replaced by C.
Protein change: p.Cys543Arg; replaces cysteine 543 with arginine.
Molecular consequence: missense variant.
Genome position (GRCh38, 1-based): chr3:52,403,518, A>G on the plus strand (T>C on the coding strand, the complement: BAP1 is on the minus strand). VCF-style: chr3-52403518-A-G. GRCh37 (hg19) VCF-style: chr3-52437534-A-G.
Other names: c.1573T>C, p.Cys525Arg (NM_001410772.1); short protein forms C525R, C543R.
Identifiers: ClinVar variation 5020433 (VCV005020433.1).